The following is an entry in ClinVar:

NM_003072.5(SMARCA4):c.1762-37T>C

Gene: SMARCA4 (SWI/SNF related BAF chromatin remodeling complex subunit ATPase 4; plus strand). Cytogenetic location: 19p13.2.
Variant type: single nucleotide variant.
Coding change: c.1762-37T>C on transcript NM_003072.5 (MANE Select); 37 bases into the intron before coding-DNA position 1762, T replaced by C.
Molecular consequence: intron variant.
Genome position (GRCh38, 1-based): chr19:10,996,457, T>C. VCF-style: chr19-10996457-T-C. GRCh37 (hg19) VCF-style: chr19-11107133-T-C.
Other names: c.1762-37T>C (NM_001128844.3, NM_001128849.3, NM_001128847.4 and 5 more transcripts).
Identifiers: ClinVar variation 676512 (VCV000676512.3), dbSNP rs2304087, ClinGen allele CA9203878.

ClinVar aggregate classification (germline): Benign. Review status: criteria provided, multiple submitters, no conflicts (2 of 4 stars). 3 submissions from 3 submitters: Benign (3). Last evaluated 2025-07-10.

Conditions:
Hereditary cancer-predisposing syndrome. Also called: Neoplastic Syndromes, Hereditary; Tumor predisposition; Hereditary neoplastic syndrome; Hereditary Cancer Syndrome. Identifiers: Orphanet 140162, MedGen C0027672, MeSH D009386, MONDO:0015356.

Allele frequency attached by ClinVar (database versions not stated): TOPMed 0.32138; 1000 Genomes Project 30x 0.32651; gnomAD 0.33163 and 0.33544; 1000 Genomes Project 0.33227; ESP Exome Variant Server 0.33692; gnomAD exomes 0.33966 and 0.36298; ExAC 0.34646.

Submissions (3):

GeneKor MSA
Classification: Benign for Hereditary cancer-predisposing syndrome. Last evaluated: 2025-07-10. Review status: criteria provided, single submitter. Criteria: ACMG Guidelines, 2015. Collection method: clinical testing. Allele origin: germline.

GeneDx
Classification: Benign. Last evaluated: 2018-06-15. Review status: criteria provided, single submitter. Criteria: GeneDx Variant Classification (06012015). Collection method: clinical testing. Allele origin: germline. Affected: yes.
Comment: This variant is considered likely benign or benign based on one or more of the following criteria: it is a conservative change, it occurs at a poorly conserved position in the protein, it is predicted to be benign by multiple in silico algorithms, and/or has population frequency not consistent with disease.

Breakthrough Genomics
Classification: Benign. Review status: criteria provided, single submitter. Criteria: ACMG Guidelines, 2015. Collection method: not provided. Allele origin: germline. Inheritance: Autosomal dominant inheritance. Affected: yes.